The following is an entry in ClinVar:

NM_032620.4(GTPBP3):c.614A>G (p.Tyr205Cys)

Gene: GTPBP3 (GTP binding protein 3, mitochondrial; plus strand). Cytogenetic location: 19p13.11.
Variant type: single nucleotide variant.
Coding change: c.614A>G on transcript NM_032620.4 (MANE Select); coding-DNA position 614, A replaced by G.
Protein change: p.Tyr205Cys; replaces tyrosine 205 with cysteine.
Molecular consequence: missense variant.
Genome position (GRCh38, 1-based): chr19:17,338,976, A>G. VCF-style: chr19-17338976-A-G. GRCh37 (hg19) VCF-style: chr19-17449785-A-G.
Other names: c.614A>G, p.Tyr205Cys (NM_001128855.3, NM_133644.4); c.680A>G, p.Tyr227Cys (NM_001195422.1); short protein forms Y205C, Y227C.
Identifiers: ClinVar variation 1391299 (VCV001391299.8), dbSNP rs149839355, ClinGen allele CA9293427.

ClinVar aggregate classification (germline): Conflicting classifications of pathogenicity. Review status: criteria provided, conflicting classifications (1 of 4 stars). 3 submissions from 3 submitters: Uncertain significance (2); Likely benign (1). Last evaluated 2026-07-27.

Conditions:
Inborn genetic diseases. Identifiers: MedGen C0950123, MeSH D030342.

Allele frequency attached by ClinVar (database versions not stated): 1000 Genomes Project 30x 0.00047; gnomAD 0.00048 and 0.00051; gnomAD exomes 0.00007 and 0.00015; ExAC 0.00028; ESP Exome Variant Server 0.00038; 1000 Genomes Project 0.00060; TOPMed 0.00045.

Submissions (3):

Ambry Genetics
Classification: Uncertain significance for Inborn genetic diseases. Last evaluated: 2026-07-27. Review status: criteria provided, single submitter. Criteria: Ambry Variant Classification Scheme 2023. Collection method: clinical testing. Allele origin: germline.
Comment: The c.614A>G (p.Y205C) alteration is located in exon 5 (coding exon 5) of the GTPBP3 gene. This alteration results from a A to G substitution at nucleotide position 614, causing the tyrosine (Y) at amino acid position 205 to be replaced by a cysteine (C). Based on data from gnomAD, the G allele has an overall frequency of 0.019% (53/279956) total alleles studied. The highest observed frequency was 0.124% (31/24956) of African alleles. Based on insufficient or conflicting evidence, the clinical significance of this alteration remains unclear.

Labcorp Genetics (formerly Invitae), Labcorp
Classification: Likely benign. Last evaluated: 2026-01-28. Review status: criteria provided, single submitter. Criteria: Invitae Variant Classification Sherloc (09022015). Collection method: clinical testing. Allele origin: germline.

GeneDx
Classification: Uncertain significance. Last evaluated: 2022-12-28. Review status: criteria provided, single submitter. Criteria: GeneDx Variant Classification Process June 2021. Collection method: clinical testing. Allele origin: germline. Affected: yes.
Comment: In silico analysis supports that this missense variant has a deleterious effect on protein structure/function; Has not been previously published as pathogenic or benign to our knowledge